The following is an entry in ClinVar:

ClinVar aggregate classification (germline): Conflicting classifications of pathogenicity. Review status: criteria provided, conflicting classifications (1 of 4 stars). 8 submissions from 4 submitters: Uncertain significance (5); Likely benign (3). Last evaluated 2025-02-13.

Conditions:
Myopathy, myofibrillar, 9, with early respiratory failure (MFM9). Also called: Hereditary myopathy with early respiratory failure; EDSTROM MYOPATHY; MYOPATHY, PROXIMAL, WITH EARLY RESPIRATORY MUSCLE INVOLVEMENT; Myopathy, distal, with early respiratory failure, autosomal dominant. Identifiers: Orphanet 178464, Orphanet 34521, MedGen C1863599, MONDO:0011362, OMIM 603689.
Tibial muscular dystrophy (TMD). Also called: Tibial muscular dystrophy, tardive; UDD MYOPATHY; Udd Distal Myopathy – Tibial Muscular Dystrophy. Identifiers: Orphanet 609, MedGen C1838244, MONDO:0010870, OMIM 600334.
Dilated cardiomyopathy 1G (CMD1G). Identifiers: Orphanet 154, MedGen C1858763, MONDO:0011400, OMIM 604145.
Early-onset myopathy with fatal cardiomyopathy (CMYO5). Also called: CONGENITAL MYOPATHY 5 WITH CARDIOMYOPATHY; Salih Myopathy. Identifiers: Orphanet 289377, MedGen C2673677, MONDO:0012714, OMIM 611705. Disease mechanism: loss of function.
Autosomal recessive limb-girdle muscular dystrophy type 2J (LGMDR10). Also called: Limb-girdle muscular dystrophy, type 2J; MUSCULAR DYSTROPHY, LIMB-GIRDLE, AUTOSOMAL RECESSIVE 10. Identifiers: Orphanet 140922, MedGen C1837342, MONDO:0012127, OMIM 608807.

Allele frequency attached by ClinVar (database versions not stated): ExAC 0.00002; gnomAD exomes 0.00002; gnomAD 0.00003; TOPMed 0.00003.
gnomAD v4.1: 61 of 1,613,684 alleles (0.0038%); highest among the groups gnomAD compares: African/African-American, 0.0067%; no homozygotes.

Submissions (8):

Revvity Omics, Revvity
Classification: Uncertain significance. Last evaluated: 2025-02-13. Review status: criteria provided, single submitter. Criteria: ACMG Guidelines, 2015. Collection method: clinical testing. Allele origin: germline.

Blueprint Genetics
Classification: Likely benign. Last evaluated: 2024-10-18. Review status: criteria provided, single submitter. Criteria: ACMG Guidelines, 2015. Collection method: clinical testing. Allele origin: germline.

Illumina Laboratory Services, Illumina
Classification: Likely benign for Tibial muscular dystrophy. Last evaluated: 2018-01-12. Review status: criteria provided, single submitter. Criteria: ICSL Variant Classification Criteria 13 December 2019. Collection method: clinical testing. Allele origin: germline.
Comment: This variant was observed in the ICSL laboratory as part of a predisposition screen in an ostensibly healthy population. It had not been previously curated by ICSL or reported in the Human Gene Mutation Database (HGMD: prior to June 1st, 2018), and was therefore a candidate for classification through an automated scoring system. Utilizing variant allele frequency, disease prevalence and penetrance estimates, and inheritance mode, an automated score was calculated to assess if this variant is too frequent to cause the disease. Based on the score and internal cut-off values, a variant classified as likely benign is not then subjected to further curation. The score for this variant resulted in a classification of likely benign for this disease.

Illumina Laboratory Services, Illumina
Classification: Likely benign for Myopathy, myofibrillar, 9, with early respiratory failure. Last evaluated: 2018-01-12. Review status: criteria provided, single submitter. Criteria: ICSL Variant Classification Criteria 13 December 2019. Collection method: clinical testing. Allele origin: germline.
Comment: the same text as in the submission from Illumina Laboratory Services, Illumina above.

Illumina Laboratory Services, Illumina
Classification: Uncertain significance for Early-onset myopathy with fatal cardiomyopathy. Last evaluated: 2018-01-12. Review status: criteria provided, single submitter. Criteria: ICSL Variant Classification Criteria 13 December 2019. Collection method: clinical testing. Allele origin: germline.

Illumina Laboratory Services, Illumina
Classification: Uncertain significance for Autosomal recessive limb-girdle muscular dystrophy type 2J. Last evaluated: 2018-01-12. Review status: criteria provided, single submitter. Criteria: ICSL Variant Classification Criteria 13 December 2019. Collection method: clinical testing. Allele origin: germline.

Illumina Laboratory Services, Illumina
Classification: Uncertain significance for Dilated cardiomyopathy 1G. Last evaluated: 2018-01-12. Review status: criteria provided, single submitter. Criteria: ICSL Variant Classification Criteria 13 December 2019. Collection method: clinical testing. Allele origin: germline.

Laboratory for Molecular Medicine, Mass General Brigham Personalized Medicine
Classification: Uncertain significance. Last evaluated: 2014-06-16. Review status: criteria provided, single submitter. Criteria: LMM Criteria. Collection method: clinical testing. Allele origin: germline. Observed: 1 variant allele.
Comment: The Arg29285Cys variant in TTN has not been previously reported in individuals w ith cardiomyopathy or in large population studies. Computational prediction too ls and conservation analysis do not provide strong support for or against an imp act to the protein. In summary, the clinical significance of the Arg29285Cys var iant is uncertain.

NM_001267550.2(TTN):c.95557C>T (p.Arg31853Cys)

Genes: TTN (titin; minus strand), TTN-AS1 (TTN antisense RNA 1; plus strand). Cytogenetic location: 2q31.2.
Variant type: single nucleotide variant.
Coding change: c.95557C>T on transcript NM_001267550.2 (MANE Select); coding-DNA position 95557, C replaced by T.
Protein change: p.Arg31853Cys; replaces arginine 31853 with cysteine.
Molecular consequence: missense variant.
Genome position (GRCh38, 1-based): chr2:178,545,553, G>A on the plus strand (C>T on the coding strand, the complement: TTN is on the minus strand). VCF-style: chr2-178545553-G-A. GRCh37 (hg19) VCF-style: chr2-179410280-G-A.
Other names: c.87853C>T, p.Arg29285Cys (NM_133378.4); c.90634C>T, p.Arg30212Cys (NM_001256850.1); c.68362C>T, p.Arg22788Cys (NM_003319.4); c.68737C>T, p.Arg22913Cys (NM_133432.3); c.68938C>T, p.Arg22980Cys (NM_133437.4); short protein forms R29285C, R31853C, R22913C, R22788C, R30212C, R22980C.
Identifiers: ClinVar variation 165709 (VCV000165709.11), dbSNP rs727503542, ClinGen allele CA178417.
Genomic context (GRCh38, chr2:178,545,553, plus strand): 5'-GGCTGGTCACCTTCAGCCTGGTATCATACACCACATAGTCTTTGTTGACACGTGTCCAGC[G>A]CAGGCTCTTCTTCTCACGTTTGTCTACTAGGTAGTTGCTGATTTCATTGCCACCATCAGA-3'
Protein context (NP_001254479.2, residues 31843-31863): LVDKREKKSL[Arg31853Cys]WTRVNKDYVV